The following is an entry in ClinVar:

NM_001399.5(EDA):c.599C>A (p.Pro200Gln)

Gene: EDA (ectodysplasin A; plus strand). Cytogenetic location: Xq13.1.
Variant type: single nucleotide variant.
Coding change: c.599C>A on transcript NM_001399.5 (MANE Select); coding-DNA position 599, C replaced by A.
Protein change: p.Pro200Gln; replaces proline 200 with glutamine.
Molecular consequence: missense variant.
Genome position (GRCh38, 1-based): chrX:70,027,929, C>A. VCF-style: chrX-70027929-C-A. GRCh37 (hg19) VCF-style: chrX-69247779-C-A.
Other names: c.599C>A, p.Pro200Gln (NM_001005609.2, NM_001005612.3); short protein forms P200Q.
Identifiers: ClinVar variation 44201 (VCV000044201.4), dbSNP rs397516669, ClinGen allele CA133749.

ClinVar aggregate classification (germline): Uncertain significance (1 of 4 stars; one submission).

Submission:

Laboratory for Molecular Medicine, Mass General Brigham Personalized Medicine
Classification: Uncertain significance. Last evaluated: 2011-09-20. Review status: criteria provided, single submitter. Criteria: LMM Criteria. Collection method: clinical testing. Allele origin: germline. Inheritance: X-linked inheritance. Observed: 1 variant allele.
Comment: The Pro200Gln variant has not been reported in the literature nor previously ide ntified in our laboratory. The amino acid proline (Pro) at position 200 is high ly conserved across evolutionarily distant species. Additionally, computational analysis (AlignGVGD and SIFT) predict that the change to a glutamine (Gln) at t his position may impact the protein. However, this information is not predictiv e enough to assume pathogenicity. In the absence of additional information, such as control studies, segregation data, and functional analysis, the clinical sig nificance of this variant cannot be determined at this time.